The following is an entry in ClinVar:

ClinVar aggregate classification (germline): Uncertain significance (0 of 4 stars; one submission).

Conditions:
Autism (AUTS). Also called: Autistic disorder of childhood onset; Autistic disorder. Identifiers: MedGen C0004352, MeSH D001321, MONDO:0005260, OMIM 209850, HP:0000717.

Submission:

Centre for Addiction & Mental Health
Classification: Uncertain significance for Autism. Review status: no assertion criteria provided. Collection method: research. Allele origin: biparental. Affected: yes. Observed: 1 homozygote. Segregation with disease observed.
Comment: Gene not previously associated with disease; independent supportng evidence needed

NM_033278.4(TRIM3):c.1067G>T (p.Arg356Leu)

Gene: TRIM3 (tripartite motif containing 3; minus strand). Cytogenetic location: 11p15.4.
Variant type: single nucleotide variant.
Coding change: c.1067G>T on transcript NM_033278.4 (MANE Select); coding-DNA position 1067, G replaced by T.
Protein change: p.Arg356Leu; replaces arginine 356 with leucine.
Molecular consequence: missense variant.
Genome position (GRCh38, 1-based): chr11:6,456,659, C>A on the plus strand (G>T on the coding strand, the complement: TRIM3 is on the minus strand). VCF-style: chr11-6456659-C-A. GRCh37 (hg19) VCF-style: chr11-6477889-C-A.
Other names: c.1067G>T, p.Arg356Leu (NM_001248006.2, NM_006458.4); c.710G>T, p.Arg237Leu (NM_001248007.2); short protein forms R237L, R356L.
Identifiers: ClinVar variation 3338227 (VCV003338227.2).